The following is an entry in ClinVar:

ClinVar aggregate classification (germline): Uncertain significance (1 of 4 stars; one submission).

Allele frequency attached by ClinVar (database versions not stated): gnomAD exomes below 0.00001.
gnomAD v4.1: 1 of 1,597,654 alleles (0.000063%); highest among the groups gnomAD compares: Non-Finnish European, 0.000085%; no homozygotes.

Submission:

Labcorp Genetics (formerly Invitae), Labcorp
Classification: Uncertain significance. Last evaluated: 2025-07-07. Review status: criteria provided, single submitter. Criteria: Invitae Variant Classification Sherloc (09022015). Collection method: clinical testing. Allele origin: germline.
Comment: This sequence change falls in intron 26 of the OTOF gene. It does not directly change the encoded amino acid sequence of the OTOF protein. It affects a nucleotide within the consensus splice site. This variant is not present in population databases (gnomAD no frequency). This variant has not been reported in the literature in individuals affected with OTOF-related conditions. ClinVar contains an entry for this variant (Variation ID: 2419648). Variants that disrupt the consensus splice site are a relatively common cause of aberrant splicing (PMID: 17576681, 9536098). Algorithms developed to predict the effect of sequence changes on RNA splicing suggest that this variant is not likely to affect RNA splicing. In summary, the available evidence is currently insufficient to determine the role of this variant in disease. Therefore, it has been classified as a Variant of Uncertain Significance.

Literature cited by the submitters: PubMed 17576681; PubMed 9536098.

NM_194248.3(OTOF):c.3288+4G>A

Gene: OTOF (otoferlin; minus strand). Cytogenetic location: 2p23.3.
Variant type: single nucleotide variant.
Coding change: c.3288+4G>A on transcript NM_194248.3 (MANE Select); 4 bases into the intron after coding-DNA position 3288, G replaced by A.
Molecular consequence: intron variant.
Genome position (GRCh38, 1-based): chr2:26,474,509, C>T on the plus strand (G>A on the coding strand, the complement: OTOF is on the minus strand). VCF-style: chr2-26474509-C-T. GRCh37 (hg19) VCF-style: chr2-26697377-C-T.
Other names: c.3288+4G>A (NM_001287489.2); c.1047+4G>A (NM_194323.3, NM_004802.4); c.1218+4G>A (NM_194322.3).
Identifiers: ClinVar variation 2419648 (VCV002419648.5), dbSNP rs2465573535, ClinGen allele CA2576699359.
Genomic context (GRCh38, chr2:26,474,509, plus strand): 5'-GCCCTAGGCCCCAACTCCCAGCCTCCAGTCCCCAGGCCTCAGCCCCTCTTCCCTGCAGTC[C>T]CACCTGCAGCAGCTCGAAGGCCGCCAGCAGGTCTCCAGCTGTGGCGTTGCCACGGTAGAT-3'